The following is an entry in ClinVar:

NM_003038.5(SLC1A4):c.221A>G (p.Tyr74Cys)

Gene: SLC1A4 (solute carrier family 1 member 4; plus strand). Cytogenetic location: 2p14.
Variant type: single nucleotide variant.
Coding change: c.221A>G on transcript NM_003038.5 (MANE Select); coding-DNA position 221, A replaced by G.
Protein change: p.Tyr74Cys; replaces tyrosine 74 with cysteine.
Molecular consequence: missense variant. On other transcripts: intron variant (3).
Genome position (GRCh38, 1-based): chr2:64,989,864, A>G. VCF-style: chr2-64989864-A-G. GRCh37 (hg19) VCF-style: chr2-65216998-A-G.
Other names: c.-134+1244A>G (NM_001348406.2, NM_001193493.2); c.-134+1310A>G (NM_001348407.2); short protein forms Y74C.
Identifiers: ClinVar variation 1464173 (VCV001464173.5), dbSNP rs372707759, ClinGen allele CA1685841.

ClinVar aggregate classification (germline): Uncertain significance (1 of 4 stars; one submission).

Allele frequency attached by ClinVar (database versions not stated): TOPMed 0.00004; gnomAD 0.00005; gnomAD exomes 0.00005 and 0.00008; ESP Exome Variant Server 0.00008; 1000 Genomes Project 30x 0.00016.
gnomAD v4.1: 120 of 1,540,860 alleles (0.0078%); highest among the groups gnomAD compares: Admixed American, 0.0098%; no homozygotes.

Submission:

Labcorp Genetics (formerly Invitae), Labcorp
Classification: Uncertain significance. Last evaluated: 2022-02-10. Review status: criteria provided, single submitter. Criteria: Invitae Variant Classification Sherloc (09022015). Collection method: clinical testing. Allele origin: germline.
Comment: This sequence change replaces tyrosine, which is neutral and polar, with cysteine, which is neutral and slightly polar, at codon 74 of the SLC1A4 protein (p.Tyr74Cys). This variant is present in population databases (rs372707759, gnomAD 0.008%). This variant has not been reported in the literature in individuals affected with SLC1A4-related conditions. Algorithms developed to predict the effect of missense changes on protein structure and function are either unavailable or do not agree on the potential impact of this missense change (SIFT: "Deleterious"; PolyPhen-2: "Probably Damaging"; Align-GVGD: "Class C0"). In summary, the available evidence is currently insufficient to determine the role of this variant in disease. Therefore, it has been classified as a Variant of Uncertain Significance.